The following is an entry in ClinVar:

ClinVar aggregate classification (germline): Uncertain significance (1 of 4 stars; one submission).

Submission:

Labcorp Genetics (formerly Invitae), Labcorp
Classification: Uncertain significance. Last evaluated: 2022-03-14. Review status: criteria provided, single submitter. Criteria: Invitae Variant Classification Sherloc (09022015). Collection method: clinical testing. Allele origin: germline.
Comment: This sequence change replaces threonine, which is neutral and polar, with lysine, which is basic and polar, at codon 32 of the COL7A1 protein (p.Thr32Lys). This variant is not present in population databases (gnomAD no frequency). This variant has not been reported in the literature in individuals affected with COL7A1-related conditions. Algorithms developed to predict the effect of missense changes on protein structure and function are either unavailable or do not agree on the potential impact of this missense change (SIFT: "Tolerated"; PolyPhen-2: "Not Available"; Align-GVGD: "Class C0"). In summary, the available evidence is currently insufficient to determine the role of this variant in disease. Therefore, it has been classified as a Variant of Uncertain Significance.

NM_000094.4(COL7A1):c.95C>A (p.Thr32Lys)

Gene: COL7A1 (collagen type VII alpha 1 chain; minus strand). Cytogenetic location: 3p21.31.
Variant type: single nucleotide variant.
Coding change: c.95C>A on transcript NM_000094.4 (MANE Select); coding-DNA position 95, C replaced by A.
Protein change: p.Thr32Lys; replaces threonine 32 with lysine.
Molecular consequence: missense variant.
Genome position (GRCh38, 1-based): chr3:48,594,539, G>T on the plus strand (C>A on the coding strand, the complement: COL7A1 is on the minus strand). VCF-style: chr3-48594539-G-T. GRCh37 (hg19) VCF-style: chr3-48631972-G-T.
Other names: short protein forms T32K.
Identifiers: ClinVar variation 2111900 (VCV002111900.1), dbSNP rs775869590, ClinGen allele CA352749987.